The following is an entry in ClinVar:

ClinVar aggregate classification (germline): Uncertain significance (1 of 4 stars; one submission).

Conditions:
Cardiac arrhythmia. Also called: Cardiac rhythm disease; Arrhythmia. Identifiers: MedGen C0003811, MONDO:0007263, HP:0011675.

Allele frequency attached by ClinVar (database versions not stated): gnomAD exomes below 0.00001.
gnomAD v4.1: 1 of 1,614,218 alleles (0.000062%); highest among the groups gnomAD compares: Non-Finnish European, 0.000085%; no homozygotes.

Submission:

Color Diagnostics, LLC DBA Color Health
Classification: Uncertain significance for Cardiac arrhythmia. Last evaluated: 2024-03-07. Review status: criteria provided, single submitter. Criteria: ACMG Guidelines, 2015. Collection method: clinical testing. Allele origin: germline.
Comment: This missense variant replaces alanine with threonine at codon 453 of the KCNH2 protein. Computational prediction is inconclusive regarding the impact of this variant on protein structure and function (internally defined REVEL score threshold 0.5 < inconclusive < 0.7, PMID: 27666373). To our knowledge, functional studies have not been reported for this variant. This variant has not been reported in individuals affected with cardiovascular disorders in the literature. This variant has not been identified in the general population by the Genome Aggregation Database (gnomAD). The available evidence is insufficient to determine the role of this variant in disease conclusively. Therefore, this variant is classified as a Variant of Uncertain Significance.

NM_000238.4(KCNH2):c.1357G>A (p.Ala453Thr)

Gene: KCNH2 (potassium voltage-gated channel subfamily H member 2; minus strand). Cytogenetic location: 7q36.1.
Variant type: single nucleotide variant.
Coding change: c.1357G>A on transcript NM_000238.4 (MANE Select); coding-DNA position 1357, G replaced by A.
Protein change: p.Ala453Thr; replaces alanine 453 with threonine.
Molecular consequence: missense variant.
Genome position (GRCh38, 1-based): chr7:150,952,625, C>T on the plus strand (G>A on the coding strand, the complement: KCNH2 is on the minus strand). VCF-style: chr7-150952625-C-T. GRCh37 (hg19) VCF-style: chr7-150649713-C-T.
Other names: c.337G>A, p.Ala113Thr (NM_001204798.2, NM_172057.3); c.1069G>A, p.Ala357Thr (NM_001406753.1, NM_001406756.1); c.1180G>A, p.Ala394Thr (NM_001406755.1); c.1057G>A, p.Ala353Thr (NM_001406757.1); c.1357G>A, p.Ala453Thr (NM_172056.3); short protein forms A113T, A453T, A357T, A394T, A353T.
Identifiers: ClinVar variation 919895 (VCV000919895.7), dbSNP rs1801221411, ClinGen allele CA369859921.
Genomic context (GRCh38, chr7:150,952,625, plus strand): 5'-TGCGGAAGTTGATGAGGATGTCCACAATGAACATGATGTCCACGATGAGGTCCACCACAG[C>T]CAGCGGCTGGCAGGCGTAGCCACACTCGGTAGCAGGCGGGCCTTCTTCCGTCTCCTTCAG-3'
Protein context (NP_000229.1, residues 443-463): TECGYACQPL[Ala453Thr]VVDLIVDIMF